The following is an entry in ClinVar:

NM_001283009.2(RTEL1):c.1261T>C (p.Tyr421His)

Genes: RTEL1 (regulator of telomere elongation helicase 1; plus strand), RTEL1-TNFRSF6B (RTEL1-TNFRSF6B readthrough (NMD candidate); plus strand). Cytogenetic location: 20q13.33.
Variant type: single nucleotide variant.
Coding change: c.1261T>C on transcript NM_001283009.2 (MANE Select); coding-DNA position 1261, T replaced by C.
Protein change: p.Tyr421His; replaces tyrosine 421 with histidine.
Molecular consequence: missense variant. On other transcripts: non-coding transcript variant (1).
Genome position (GRCh38, 1-based): chr20:63,685,592, T>C. VCF-style: chr20-63685592-T-C. GRCh37 (hg19) VCF-style: chr20-62316945-T-C.
Other names: c.592T>C, p.Tyr198His (NM_001283010.1); c.1261T>C, p.Tyr421His (NM_016434.4); c.1333T>C, p.Tyr445His (NM_032957.5); short protein forms Y198H, Y445H, Y421H.
Identifiers: ClinVar variation 2934820 (VCV002934820.3), dbSNP rs2517096953, ClinGen allele CA409675830.

ClinVar aggregate classification (germline): Uncertain significance (1 of 4 stars; one submission).

Conditions:
Dyskeratosis congenita, autosomal recessive 5 (DKCB5). Identifiers: MedGen C3554656, MONDO:0014076, OMIM 615190.
Pulmonary fibrosis and/or bone marrow failure, Telomere-related, 3. Also called: PULMONARY FIBROSIS AND/OR BONE MARROW FAILURE SYNDROME, TELOMERE-RELATED, 3. Identifiers: Orphanet 2032, MedGen C4225346, MONDO:0014613, OMIM 616373.

Submission:

Labcorp Genetics (formerly Invitae), Labcorp
Classification: Uncertain significance for Dyskeratosis congenita, autosomal recessive 5; Pulmonary fibrosis and/or bone marrow failure, Telomere-related, 3. Last evaluated: 2023-02-01. Review status: criteria provided, single submitter. Criteria: Invitae Variant Classification Sherloc (09022015). Collection method: clinical testing. Allele origin: germline.
Comment: In summary, the available evidence is currently insufficient to determine the role of this variant in disease. Therefore, it has been classified as a Variant of Uncertain Significance. Algorithms developed to predict the effect of missense changes on protein structure and function are either unavailable or do not agree on the potential impact of this missense change (SIFT: "Deleterious"; PolyPhen-2: "Probably Damaging"; Align-GVGD: "Class C0"). This variant has not been reported in the literature in individuals affected with RTEL1-related conditions. This variant is not present in population databases (gnomAD no frequency). This sequence change replaces tyrosine, which is neutral and polar, with histidine, which is basic and polar, at codon 421 of the RTEL1 protein (p.Tyr421His).